The following is an entry in ClinVar:

ClinVar aggregate classification (germline): Likely benign (1 of 4 stars; one submission).

Allele frequency attached by ClinVar (database versions not stated): gnomAD 0.00001; TOPMed 0.00002.
gnomAD v4.1: 2 of 1,613,388 alleles (0.00012%); highest among the groups gnomAD compares: Admixed American, 0.0017%; no homozygotes.

Submission:

GeneDx
Classification: Likely benign. Last evaluated: 2016-11-01. Review status: criteria provided, single submitter. Criteria: GeneDx Variant Classification (06012015). Collection method: clinical testing. Allele origin: germline. Affected: yes.
Comment: This variant is considered likely benign or benign based on one or more of the following criteria: it is a conservative change, it occurs at a poorly conserved position in the protein, it is predicted to be benign by multiple in silico algorithms, and/or has population frequency not consistent with disease.

NM_005670.4(EPM2A):c.396C>T (p.Ala132=)

Gene: EPM2A (EPM2A glucan phosphatase, laforin; minus strand). Cytogenetic location: 6q24.3.
Variant type: single nucleotide variant.
Coding change: c.396C>T on transcript NM_005670.4 (MANE Select); coding-DNA position 396, C replaced by T.
Protein change: p.Ala132=; no amino-acid change (alanine 132 retained).
Molecular consequence: synonymous variant. On other transcripts: 5 prime UTR variant (5), non-coding transcript variant (1).
Genome position (GRCh38, 1-based): chr6:145,686,202, G>A on the plus strand (C>T on the coding strand, the complement: EPM2A is on the minus strand). VCF-style: chr6-145686202-G-A. GRCh37 (hg19) VCF-style: chr6-146007338-G-A.
Other names: c.396C>T, p.Ala132= (NM_001018041.2, NM_001360057.2, NM_001368130.1); c.-19C>T (NM_001360064.2, NM_001360071.2, NM_001368131.1); c.-228C>T (NM_001368129.2, NM_001368132.1).
Identifiers: ClinVar variation 390460 (VCV000390460.1), dbSNP rs917788107, ClinGen allele CA16605031.
Genomic context (GRCh38, chr6:145,686,202, plus strand): 5'-GTGGCCTGCAATATTAAAATAGAAGTCTGTTGTGTGCTTCATTTCATTGGTGTGCCCAGT[G>A]GCCTCAATCCAGTGTCCTATTGGGAGACAATACACACCATCCACCAAGTTGTTTTCATTG-3'
Protein context (NP_005661.1, residues 122-142): YCLPIGHWIE[Ala132=]TGHTNEMKHT